The following is an entry in ClinVar:

NM_001042475.3(CEP85L):c.955A>C (p.Ser319Arg)

Gene: CEP85L (centrosomal protein 85L; minus strand). Cytogenetic location: 6q22.31.
Variant type: single nucleotide variant.
Coding change: c.955A>C on transcript NM_001042475.3 (MANE Select); coding-DNA position 955, A replaced by C.
Protein change: p.Ser319Arg; replaces serine 319 with arginine.
Molecular consequence: missense variant.
Genome position (GRCh38, 1-based): chr6:118,565,594, T>G on the plus strand (A>C on the coding strand, the complement: CEP85L is on the minus strand). VCF-style: chr6-118565594-T-G. GRCh37 (hg19) VCF-style: chr6-118886757-T-G.
Other names: c.964A>C, p.Ser322Arg (NM_001178035.2); c.955A>C, p.Ser319Arg (NM_206921.3); short protein forms S319R, S322R.
Identifiers: ClinVar variation 4689579 (VCV004689579.1).

ClinVar aggregate classification (germline): Uncertain significance (1 of 4 stars; one submission).

gnomAD v4.1: 2 of 1,614,194 alleles (0.00012%); highest among the groups gnomAD compares: East Asian, 0.0045%; no homozygotes.

Submission:

Women's Health and Genetics/Laboratory Corporation of America, LabCorp
Classification: Uncertain significance. Last evaluated: 2026-01-06. Review status: criteria provided, single submitter. Criteria: LabCorp Variant Classification Summary - May 2015. Collection method: clinical testing. Allele origin: germline.
Comment: Variant summary: CEP85L c.955A>C (p.Ser319Arg) results in a non-conservative amino acid change in the encoded protein sequence. Algorithms developed to predict the effect of missense changes on protein structure and function are either unavailable or do not agree on the potential impact of this missense change. The variant was absent in 251244 control chromosomes. The available data on variant occurrences in the general population are insufficient to allow any conclusion about variant significance. To our knowledge, no occurrence of c.955A>C in individuals affected with CEP85L-related conditions and no experimental evidence demonstrating its impact on protein function have been reported. No submitters have cited clinical-significance assessments for this variant to ClinVar. Based on the evidence outlined above, the variant was classified as uncertain significance.